The following is an entry in ClinVar:

ClinVar aggregate classification (germline): Uncertain significance (1 of 4 stars; one submission).

Submission:

GeneDx
Classification: Uncertain significance. Last evaluated: 2024-09-25. Review status: criteria provided, single submitter. Criteria: GeneDx Variant Classification Process June 2021. Collection method: clinical testing. Allele origin: germline. Affected: yes.
Comment: Not observed at significant frequency in large population cohorts (gnomAD); In silico analysis indicates that this missense variant does not alter protein structure/function; Has not been previously published as pathogenic or benign to our knowledge

NM_001024845.3(SLC6A9):c.31-734A>G

Gene: SLC6A9 (solute carrier family 6 member 9; minus strand). Cytogenetic location: 1p34.1.
Variant type: single nucleotide variant.
Coding change: c.31-734A>G on transcript NM_001024845.3 (MANE Select); 734 bases into the intron before coding-DNA position 31, A replaced by G.
Molecular consequence: intron variant. On other transcripts: missense variant (1).
Genome position (GRCh38, 1-based): chr1:44,011,616, T>C on the plus strand (A>G on the coding strand, the complement: SLC6A9 is on the minus strand). VCF-style: chr1-44011616-T-C. GRCh37 (hg19) VCF-style: chr1-44477288-T-C.
Other names: c.194A>G, p.Tyr65Cys (NM_201649.4); c.-14-2993A>G (NM_001328630.2, NM_001328626.2); c.31-734A>G (NM_001328629.1); c.125-2993A>G (NM_001328628.1); c.125-1520A>G (NM_001328627.1); c.88-734A>G (NM_001261380.2, NM_006934.4); short protein forms Y65C.
Identifiers: ClinVar variation 3774693 (VCV003774693.1).